The following is an entry in ClinVar:

ClinVar aggregate classification (germline): Pathogenic (1 of 4 stars; one submission).

Conditions:
Glycogen storage disease, type V (GSD5). Also called: MCARDLE DISEASE; MUSCLE GLYCOGEN PHOSPHORYLASE DEFICIENCY; MYOPHOSPHORYLASE DEFICIENCY; PYGM DEFICIENCY; McArdle type glycogen storage disease. Identifiers: Orphanet 368, MedGen C0017924, MONDO:0009293, OMIM 232600.

Submission:

Labcorp Genetics (formerly Invitae), Labcorp
Classification: Pathogenic for Glycogen storage disease, type V. Last evaluated: 2023-10-15. Review status: criteria provided, single submitter. Criteria: Invitae Variant Classification Sherloc (09022015). Collection method: clinical testing. Allele origin: germline.
Comment: This sequence change creates a premature translational stop signal (p.Asn259Lysfs*26) in the PYGM gene. It is expected to result in an absent or disrupted protein product. Loss-of-function variants in PYGM are known to be pathogenic (PMID: 8316268, 16786513). This variant is not present in population databases (gnomAD no frequency). This variant has not been reported in the literature in individuals affected with PYGM-related conditions. For these reasons, this variant has been classified as Pathogenic.

Literature cited by the submitters: PubMed 8316268; PubMed 16786513.

NM_005609.4(PYGM):c.776dup (p.Asn259fs)

Gene: PYGM (glycogen phosphorylase, muscle associated; minus strand). Cytogenetic location: 11q13.1.
Variant type: Duplication.
Coding change: c.776dup on transcript NM_005609.4 (MANE Select); coding-DNA position 776, one base duplicated (A; older notation c.776dupA).
Protein change: p.Asn259fs; shifts the reading frame from asparagine 259.
Molecular consequence: frameshift variant.
Genome position (GRCh38, 1-based): chr11:64,755,352, T duplicated on the plus strand (A on the coding strand, the reverse complement: PYGM is on the minus strand); the first of 2 consecutive T bases (chr11:64,755,352-64,755,353); duplicating either gives the same sequence. VCF-style (leftmost placement, unchanged base first): chr11-64755351-A-AT. GRCh37 (hg19) VCF-style: chr11-64522823-A-AT.
Other names: c.512dup, p.Asn171fs (NM_001164716.1); short protein forms N171fs, N259fs.
Identifiers: ClinVar variation 2768696 (VCV002768696.3), dbSNP rs2058387066, ClinGen allele CA2697548644.